The following is an entry in ClinVar:

ClinVar aggregate classification (germline): Benign/Likely benign. Review status: criteria provided, multiple submitters, no conflicts (2 of 4 stars). 7 submissions from 7 submitters: Benign (1); Likely benign (3). 3 of the submissions do not count toward it. Last evaluated 2026-07-01.

Conditions:
SEC24D-related disorder. Also called: SEC24D-related condition.
Cole-Carpenter syndrome 2 (CLCRP2). Identifiers: Orphanet 2050, MedGen C4225382, MONDO:0014573, OMIM 616294.

Allele frequency attached by ClinVar (database versions not stated): 1000 Genomes Project 30x 0.00094; 1000 Genomes Project 0.00100; TOPMed 0.00150; gnomAD 0.00162 and 0.00165; gnomAD exomes 0.00173 and 0.00200; ExAC 0.00181; ESP Exome Variant Server 0.00208.
gnomAD v4.1: 3,151 of 1,608,832 alleles (0.2%); highest among the groups gnomAD compares: Non-Finnish European, 0.23%; 7 homozygotes.

Submissions (7):

CeGaT Center for Human Genetics Tuebingen
Classification: Likely benign. Last evaluated: 2026-07-01. Review status: criteria provided, single submitter. Criteria: CeGaT Center For Human Genetics Tuebingen Variant Classification Criteria Version 2. Collection method: clinical testing. Allele origin: germline. Affected: yes. Observed: 3 variant alleles.
Comment: SEC24D: BP4

Labcorp Genetics (formerly Invitae), Labcorp
Classification: Likely benign. Last evaluated: 2026-02-01. Review status: criteria provided, single submitter. Criteria: Invitae Variant Classification Sherloc (09022015). Collection method: clinical testing. Allele origin: germline.

ARUP Laboratories, Molecular Genetics and Genomics, ARUP Laboratories
Classification: Likely benign for Cole-Carpenter syndrome 2. Last evaluated: 2024-04-10. Review status: criteria provided, single submitter. Criteria: ARUP Molecular Germline Variant Investigation Process 2024. Collection method: clinical testing. Allele origin: germline.

GeneDx
Classification: Benign. Last evaluated: 2021-06-03. Review status: criteria provided, single submitter. Criteria: GeneDx Variant Classification Process June 2021. Collection method: clinical testing. Allele origin: germline. Affected: yes.

PreventionGenetics, part of Exact Sciences
Classification: Likely benign for SEC24D-related condition. Last evaluated: 2021-09-27. Review status: no assertion criteria provided. Collection method: clinical testing. Allele origin: germline. Not counted in ClinVar's aggregate classification.
Comment: This variant is classified as likely benign based on ACMG/AMP sequence variant interpretation guidelines (Richards et al. 2015 PMID: 25741868, with internal and published modifications).

Clinical Genetics DNA and cytogenetics Diagnostics Lab, Erasmus MC, Erasmus Medical Center
Classification: Likely benign. Review status: no assertion criteria provided. Collection method: clinical testing. Allele origin: germline. Affected: yes. Study: VKGL Data-share Consensus. Not counted in ClinVar's aggregate classification.

Laboratory of Diagnostic Genome Analysis, Leiden University Medical Center (LUMC)
Classification: Likely benign. Review status: no assertion criteria provided. Collection method: clinical testing. Allele origin: germline. Affected: yes. Study: VKGL Data-share Consensus. Not counted in ClinVar's aggregate classification.

NM_014822.4(SEC24D):c.181C>A (p.Pro61Thr)

Gene: SEC24D (SEC24 homolog D, COPII component; minus strand). Cytogenetic location: 4q26.
Variant type: single nucleotide variant.
Coding change: c.181C>A on transcript NM_014822.4 (MANE Select); coding-DNA position 181, C replaced by A.
Protein change: p.Pro61Thr; replaces proline 61 with threonine.
Molecular consequence: missense variant.
Genome position (GRCh38, 1-based): chr4:118,824,687, G>T on the plus strand (C>A on the coding strand, the complement: SEC24D is on the minus strand). VCF-style: chr4-118824687-G-T. GRCh37 (hg19) VCF-style: chr4-119745842-G-T.
Other names: c.181C>A, p.Pro61Thr (NM_001318066.2); short protein forms P61T.
Identifiers: ClinVar variation 782093 (VCV000782093.37), dbSNP rs143180885, ClinGen allele CA3057613.
Genomic context (GRCh38, chr4:118,824,687, plus strand): 5'-GAGGGTGACCAGTGGCATGAGCTCCATTCTGACCAAACTGATGGGGTCCAGGAGGTGGGG[G>T]ACCCGGAGGCAACATTCCCCTAGTGGCGGTGGCCCCCAAAGGCCCTGCTGGCTTCATCAT-3'
Protein context (NP_055637.2, residues 51-71): TATRGMLPPG[Pro61Thr]PPPGPHQFGQ